The following is an entry in ClinVar:

ClinVar aggregate classification (germline): Uncertain significance (1 of 4 stars; one submission).

gnomAD v4.1: 2 of 751,183 alleles (0.00027%); highest among the groups gnomAD compares: African/African-American, 0.0023%; no homozygotes.

Submission:

CeGaT Center for Human Genetics Tuebingen
Classification: Uncertain significance. Last evaluated: 2026-08-01. Review status: criteria provided, single submitter. Criteria: CeGaT Center For Human Genetics Tuebingen Variant Classification Criteria Version 2. Collection method: clinical testing. Allele origin: germline. Affected: yes. Observed: 1 variant allele.
Comment: FRMPD4: PM2

NM_001368397.1(FRMPD4):c.5110A>G (p.Ile1704Val)

Gene: FRMPD4 (FERM and PDZ domain containing 4; plus strand). Cytogenetic location: Xp22.2.
Variant type: single nucleotide variant.
Coding change: c.5110A>G on transcript NM_001368397.1 (MANE Select); coding-DNA position 5110, A replaced by G.
Protein change: p.Ile1704Val; replaces isoleucine 1704 with valine.
Molecular consequence: missense variant. On other transcripts: 3 prime UTR variant (6).
Genome position (GRCh38, 1-based): chrX:12,721,679, A>G. VCF-style: chrX-12721679-A-G. GRCh37 (hg19) VCF-style: chrX-12739798-A-G.
Other names: c.5221A>G, p.Ile1741Val (NM_001368395.3); c.5116A>G, p.Ile1706Val (NM_001368396.3); c.*1146A>G (NM_001368398.3, NM_001368399.3, NM_001368400.3 and 3 more transcripts); short protein forms I1704V, I1706V, I1741V.
Identifiers: ClinVar variation 5039065 (VCV005039065.1).